The following is an entry in ClinVar:

NM_000091.5(COL4A3):c.4424T>C (p.Phe1475Ser)

Genes: COL4A3 (collagen type IV alpha 3 chain; plus strand), MFF-DT (MFF divergent transcript; minus strand). Cytogenetic location: 2q36.3.
Variant type: single nucleotide variant.
Coding change: c.4424T>C on transcript NM_000091.5 (MANE Select); coding-DNA position 4424, T replaced by C.
Protein change: p.Phe1475Ser; replaces phenylalanine 1475 with serine.
Molecular consequence: missense variant.
Genome position (GRCh38, 1-based): chr2:227,307,881, T>C. VCF-style: chr2-227307881-T-C. GRCh37 (hg19) VCF-style: chr2-228172597-T-C.
Other names: short protein forms F1475S.
Identifiers: ClinVar variation 4084963 (VCV004084963.8).
Genomic context (GRCh38, chr2:227,307,881, plus strand): 5'-CAGCAATTCCTTCATGTCCAGAGGGGACAGTGCCACTCTACAGTGGGTTTTCTTTTCTTT[T>C]TGTACAAGGAAATCAACGAGCCCACGGACAAGACCTTGGTAATGTCCCAGTCCCAGTTGC-3'
Protein context (NP_000082.2, residues 1465-1485): VPLYSGFSFL[Phe1475Ser]VQGNQRAHGQ

ClinVar aggregate classification (germline): Uncertain significance (1 of 4 stars; one submission).

gnomAD v4.1: 5 of 1,614,030 alleles (0.00031%); highest among the groups gnomAD compares: African/African-American, 0.0053%; no homozygotes.

Submission:

CeGaT Center for Human Genetics Tuebingen
Classification: Uncertain significance. Last evaluated: 2025-07-01. Review status: criteria provided, single submitter. Criteria: CeGaT Center For Human Genetics Tuebingen Variant Classification Criteria Version 2. Collection method: clinical testing. Allele origin: germline. Affected: yes. Observed: 1 variant allele.
Comment: COL4A3: PM2, PM3